The following is an entry in ClinVar:

ClinVar aggregate classification (germline): Likely benign. Review status: criteria provided, multiple submitters, no conflicts (2 of 4 stars). 2 submissions from 2 submitters: Likely benign (2). Last evaluated 2021-11-18.

Conditions:
Polycystic liver disease 1 (PCLD1). Also called: Polycystic liver disease 1 with or without kidney cysts. Identifiers: Orphanet 2924, MedGen C0887850, MONDO:0008265, OMIM 174050.

Allele frequency attached by ClinVar (database versions not stated): ExAC 0.00003; gnomAD exomes 0.00005 and 0.00002; gnomAD 0.00003 and 0.00002; TOPMed 0.00001.
gnomAD v4.1: 81 of 1,613,254 alleles (0.005%); highest among the groups gnomAD compares: East Asian, 0.14%; no homozygotes.

Submissions (2):

Fulgent Genetics
Classification: Likely benign for Polycystic liver disease 1. Last evaluated: 2021-11-18. Review status: criteria provided, single submitter. Criteria: ACMG Guidelines, 2015. Collection method: clinical testing. Allele origin: unknown.

Illumina Laboratory Services, Illumina
Classification: Likely benign for Polycystic liver disease 1. Last evaluated: 2018-01-12. Review status: criteria provided, single submitter. Criteria: ICSL Variant Classification Criteria 13 December 2019. Collection method: clinical testing. Allele origin: germline.
Comment: This variant was observed in the ICSL laboratory as part of a predisposition screen in an ostensibly healthy population. It had not been previously curated by ICSL or reported in the Human Gene Mutation Database (HGMD: prior to June 1st, 2018), and was therefore a candidate for classification through an automated scoring system. Utilizing variant allele frequency, disease prevalence and penetrance estimates, and inheritance mode, an automated score was calculated to assess if this variant is too frequent to cause the disease. Based on the score and internal cut-off values, a variant classified as likely benign is not then subjected to further curation. The score for this variant resulted in a classification of likely benign for this disease.

NM_001289104.2(PRKCSH):c.753G>A (p.Ala251=)

Gene: PRKCSH (PRKCSH beta subunit of glucosidase II; plus strand). Cytogenetic location: 19p13.2.
Variant type: single nucleotide variant.
Coding change: c.753G>A on transcript NM_001289104.2 (MANE Select); coding-DNA position 753, G replaced by A.
Protein change: p.Ala251=; no amino-acid change (alanine 251 retained).
Molecular consequence: synonymous variant.
Genome position (GRCh38, 1-based): chr19:11,446,341, G>A. VCF-style: chr19-11446341-G-A. GRCh37 (hg19) VCF-style: chr19-11557156-G-A.
Other names: c.753G>A, p.Ala251= (NM_001001329.3, NM_001289102.2, NM_001289103.2 and 3 more transcripts).
Identifiers: ClinVar variation 328181 (VCV000328181.6), dbSNP rs756127892, ClinGen allele CA9212964.